The following continues an entry in ClinVar:

NM_001267550.2(TTN):c.63793G>A (p.Asp21265Asn)

ClinVar aggregate classification (germline): Conflicting classifications of pathogenicity. Pathogenic (1); Likely pathogenic (4); Uncertain significance (3); Likely benign (1).

Submissions 5 to 10 of 10:

Labcorp Genetics (formerly Invitae), Labcorp
Classification: Pathogenic for Dilated cardiomyopathy 1G; Autosomal recessive limb-girdle muscular dystrophy type 2J. Last evaluated: 2026-01-09. Review status: criteria provided, single submitter. Criteria: Invitae Variant Classification Sherloc (09022015). Collection method: clinical testing. Allele origin: germline.
Comment: This sequence change replaces aspartic acid, which is acidic and polar, with asparagine, which is neutral and polar, at codon 21265 of the TTN protein (p.Asp21265Asn). This variant also falls at the last nucleotide of exon 306, which is part of the consensus splice site for this exon. This variant is present in population databases (rs794729474, gnomAD 0.003%). This missense change has been observed in individuals with dilated cardiomyopathy and/or myopathy (PMID: 31561939, 31983221; internal data). ClinVar contains an entry for this variant (Variation ID: 202779). Experimental studies and prediction algorithms are not available or were not evaluated, and the functional significance of this variant is currently unknown. Variants that disrupt the consensus splice site are a relatively common cause of aberrant splicing (PMID: 17576681, 9536098). Algorithms developed to predict the effect of sequence changes on RNA splicing suggest that this variant may disrupt the consensus splice site. This variant is located in the A band of TTN (PMID: 25589632). Variants in this region may be relevant for cardiac or neuromuscular disorders (PMID: 25589632, 23975875). For these reasons, this variant has been classified as Pathogenic.

CHEO Genetics Diagnostic Laboratory, Children's Hospital of Eastern Ontario
Classification: Likely pathogenic for Cardiomyopathy. Last evaluated: 2023-05-16. Review status: criteria provided, single submitter. Criteria: ACMG Guidelines, 2015. Collection method: clinical testing. Allele origin: germline.

Blueprint Genetics
Classification: Likely benign. Last evaluated: 2022-07-18. Review status: criteria provided, single submitter. Criteria: ACMG Guidelines, 2015. Collection method: clinical testing. Allele origin: germline.

Fulgent Genetics
Classification: Uncertain significance for Tibial muscular dystrophy; Myopathy, myofibrillar, 9, with early respiratory failure; Dilated cardiomyopathy 1G; Autosomal recessive limb-girdle muscular dystrophy type 2J; Early-onset myopathy with fatal cardiomyopathy; Hypertrophic cardiomyopathy 9. Last evaluated: 2021-09-18. Review status: criteria provided, single submitter. Criteria: ACMG Guidelines, 2015. Collection method: clinical testing. Allele origin: unknown.

Baylor Genetics
Classification: Uncertain significance for Tibial muscular dystrophy. Last evaluated: 2019-06-12. Review status: criteria provided, single submitter. Criteria: ACMG Guidelines, 2015. Collection method: clinical testing. Allele origin: unknown. Affected: yes.
Comment: This variant was determined to be of uncertain significance according to ACMG Guidelines, 2015 [PMID:25741868].

Human Development and Health, University of Southampton
No classification provided (evidence only). Review status: no classification provided. Collection method: in vitro. Allele origin: not applicable. Functional consequence: sequence_variant_affecting_splicing. Not counted in ClinVar's aggregate classification.
ClinVar note: "not provided" was previously submitted as the classification for the variant. However, the classification appeared to be based only on an observation of functional data so it was converted to no classification on 2025-07-30.

Literature cited by the submitters: PubMed 31028938 (cited by Ambry Genetics); PubMed 37821546 (cited by Ambry Genetics and Victorian Clinical Genetics Services, Murdoch Childrens Research Institute); PubMed 25589632 (cited by Victorian Clinical Genetics Services, Murdoch Childrens Research Institute and Labcorp Genetics (formerly Invitae), Labcorp); PubMed 31983221 (cited by 3 submitters); PubMed 23396983 (cited by Victorian Clinical Genetics Services, Murdoch Childrens Research Institute); PubMed 31561939 (cited by Women's Health and Genetics/Laboratory Corporation of America, LabCorp and Labcorp Genetics (formerly Invitae), Labcorp); PubMed 35476365 (cited by Women's Health and Genetics/Laboratory Corporation of America, LabCorp); PubMed 17576681 (cited by Labcorp Genetics (formerly Invitae), Labcorp); PubMed 9536098 (cited by Labcorp Genetics (formerly Invitae), Labcorp); PubMed 23975875 (cited by Labcorp Genetics (formerly Invitae), Labcorp).